The following is an entry in ClinVar:

ClinVar aggregate classification (germline): Uncertain significance (1 of 4 stars; one submission).

Allele frequency attached by ClinVar (database versions not stated): TOPMed below 0.00001; gnomAD 0.00001.

Submission:

Greenwood Genetic Center Diagnostic Laboratories, Greenwood Genetic Center
Classification: Uncertain significance. Last evaluated: 2023-12-04. Review status: criteria provided, single submitter. Criteria: ACMG Guidelines, 2015. Collection method: clinical testing. Allele origin: germline. Affected: yes.
Comment: PM2

NM_001386298.1(CIC):c.1801G>A (p.Val601Met)

Gene: CIC (capicua transcriptional repressor; plus strand). Cytogenetic location: 19q13.2.
Variant type: single nucleotide variant.
Coding change: c.1801G>A on transcript NM_001386298.1 (MANE Select); coding-DNA position 1801, G replaced by A.
Protein change: p.Val601Met; replaces valine 601 with methionine.
Molecular consequence: missense variant.
Genome position (GRCh38, 1-based): chr19:42,273,584, G>A. VCF-style: chr19-42273584-G-A. GRCh37 (hg19) VCF-style: chr19-42777736-G-A.
Other names: c.1801G>A, p.Val601Met (NM_001304815.2, NM_001379480.1, NM_001379482.1 and 1 more transcripts); short protein forms V601M.
Identifiers: ClinVar variation 2692486 (VCV002692486.1), dbSNP rs1289782840, ClinGen allele CA406086144.